The following is an entry in ClinVar:

ClinVar aggregate classification (germline): Likely pathogenic (1 of 4 stars; one submission).

Conditions:
SLC5A1-related disorder. Also called: SLC5A1-related condition.

Submission:

PreventionGenetics, part of Exact Sciences
Classification: Likely pathogenic for SLC5A1-related condition. Last evaluated: 2026-07-22. Review status: criteria provided, single submitter. Criteria: ACMG Guidelines, 2015. Collection method: clinical testing. Allele origin: germline.
Comment: The SLC5A1 c.62_71del10 variant is predicted to result in a frameshift and premature protein termination (p.Glu21Alafs*15). To our knowledge, this variant has not been reported in the literature or in a large population database (gnomAD), indicating this variant is rare. Frameshift variants in SLC5A1 are expected to be pathogenic. This variant is interpreted as likely pathogenic.

NM_000343.4(SLC5A1):c.62_71del (p.Glu21fs)

Gene: SLC5A1 (solute carrier family 5 member 1; plus strand). Cytogenetic location: 22q12.3.
Variant type: Deletion.
Coding change: c.62_71del on transcript NM_000343.4 (MANE Select); coding-DNA positions 62 to 71, 10 bases deleted (AGCTCATTCG; older notation c.62_71delAGCTCATTCG).
Protein change: p.Glu21fs; shifts the reading frame from glutamic acid 21.
Molecular consequence: frameshift variant.
Genome position (GRCh38, 1-based): chr22:32,043,343-32,043,352, AGCTCATTCG deleted; deleting any 10 consecutive bases within chr22:32,043,341-32,043,352 gives the same sequence; the c. name uses the placement nearest the transcript's 3' end. VCF-style (leftmost placement, unchanged base first): chr22-32043340-ACGAGCTCATT-A. GRCh37 (hg19) VCF-style: chr22-32439327-ACGAGCTCATT-A.
Other names: short protein forms E21fs.
Identifiers: ClinVar variation 4995773 (VCV004995773.1).